The following is an entry in ClinVar:

ClinVar aggregate classification (germline): Likely benign (1 of 4 stars; one submission).

Conditions:
Breast-ovarian cancer, familial, susceptibility to, 3. Also called: RAD51C-Related Breast/Ovarian Cancer. Identifiers: Orphanet 145, MedGen C3150659, MONDO:0013253, OMIM 613399.

Submission:

Myriad Genetics, Inc.
Classification: Likely benign for Breast-ovarian cancer, familial, susceptibility to, 3. Last evaluated: 2025-02-18. Review status: criteria provided, single submitter. Criteria: Myriad Autosomal Dominant, Autosomal Recessive and X-Linked Classification Criteria (2023). Collection method: clinical testing. Allele origin: unknown.
Comment: This variant is considered likely benign. This variant is intronic and is not expected to impact mRNA splicing.

NM_058216.3(RAD51C):c.404+10A>C

Gene: RAD51C (RAD51 paralog C; plus strand). Cytogenetic location: 17q22.
Variant type: single nucleotide variant.
Coding change: c.404+10A>C on transcript NM_058216.3 (MANE Select); 10 bases into the intron after coding-DNA position 404, A replaced by C.
Molecular consequence: intron variant. On other transcripts: 3 prime UTR variant (1), non-coding transcript variant (1).
Genome position (GRCh38, 1-based): chr17:58,695,199, A>C. VCF-style: chr17-58695199-A-C. GRCh37 (hg19) VCF-style: chr17-56772560-A-C.
Other names: c.*6A>C (NM_002876.4).
Identifiers: ClinVar variation 3904101 (VCV003904101.1).